The following is an entry in ClinVar:

ClinVar aggregate classification (germline): Uncertain significance. Review status: criteria provided, multiple submitters, no conflicts (2 of 4 stars). 2 submissions from 2 submitters: Uncertain significance (2). Last evaluated 2024-12-22.

Conditions:
Inborn genetic diseases. Identifiers: MedGen C0950123, MeSH D030342.
Singleton-Merten syndrome 1 (SGMRT1). Also called: Widened medullary cavities of bone, aortic calcification, abnormal dentition, and muscular weakness; Syndrome of widened medullary cavities of the metacarpals and phalanges, aortic calcification and abnormal dentition. Identifiers: Orphanet 85191, MedGen C4225427, MONDO:0024535, OMIM 182250.
Aicardi-Goutieres syndrome 7 (AGS7). Identifiers: Orphanet 51, MedGen C3888244, MONDO:0014367, OMIM 615846.

gnomAD v4.1: 1 of 1,583,132 alleles (0.000063%); highest among the groups gnomAD compares: Non-Finnish European, 0.000087%; no homozygotes.

Submissions (2):

Labcorp Genetics (formerly Invitae), Labcorp
Classification: Uncertain significance for Aicardi-Goutieres syndrome 7; Singleton-Merten syndrome 1. Last evaluated: 2024-12-22. Review status: criteria provided, single submitter. Criteria: Invitae Variant Classification Sherloc (09022015). Collection method: clinical testing. Allele origin: germline.
Comment: This sequence change replaces aspartic acid, which is acidic and polar, with asparagine, which is neutral and polar, at codon 651 of the IFIH1 protein (p.Asp651Asn). This variant is not present in population databases (gnomAD no frequency). This variant has not been reported in the literature in individuals affected with IFIH1-related conditions. An algorithm developed to predict the effect of missense changes on protein structure and function outputs the following: PolyPhen-2: "Benign". The asparagine amino acid residue is found in multiple mammalian species, which suggests that this missense change does not adversely affect protein function. In summary, the available evidence is currently insufficient to determine the role of this variant in disease. Therefore, it has been classified as a Variant of Uncertain Significance.

Ambry Genetics
Classification: Uncertain significance for Inborn genetic diseases. Last evaluated: 2024-11-10. Review status: criteria provided, single submitter. Criteria: Ambry Variant Classification Scheme 2023. Collection method: clinical testing. Allele origin: germline.

NM_022168.4(IFIH1):c.1951G>A (p.Asp651Asn)

Gene: IFIH1 (interferon induced with helicase C domain 1; minus strand). Cytogenetic location: 2q24.2.
Variant type: single nucleotide variant.
Coding change: c.1951G>A on transcript NM_022168.4 (MANE Select); coding-DNA position 1951, G replaced by A.
Protein change: p.Asp651Asn; replaces aspartic acid 651 with asparagine.
Molecular consequence: missense variant.
Genome position (GRCh38, 1-based): chr2:162,277,508, C>T on the plus strand (G>A on the coding strand, the complement: IFIH1 is on the minus strand). VCF-style: chr2-162277508-C-T. GRCh37 (hg19) VCF-style: chr2-163134018-C-T.
Other names: short protein forms D651N.
Identifiers: ClinVar variation 3527680 (VCV003527680.3).